The following continues an entry in ClinVar:

NM_000492.4(CFTR):c.1841A>G (p.Asp614Gly)

Gene: CFTR. ClinVar aggregate classification (germline): Pathogenic/Likely pathogenic. Pathogenic (13); Likely pathogenic (4).

Submissions 10 to 19 of 19:

ARUP Laboratories, Molecular Genetics and Genomics, ARUP Laboratories
Classification: Pathogenic. Last evaluated: 2023-10-02. Review status: criteria provided, single submitter. Criteria: ARUP Molecular Germline Variant Investigation Process 2024. Collection method: clinical testing. Allele origin: germline.
Comment: The CFTR c.1841A>G; p.Asp614Gly variant (rs201124247) is reported in the literature in the compound heterozygous state with another pathogenic CFTR variant individuals with phenotypes ranging from cystic fibrosis with or without pancreatic insufficiency to congenital absence of the vas deferens only (Castaldo 2006, Durno 2002, Grangeia 2007, Lucarelli 2015, McCague 2019, Pereira 2019, Tomaiuolo 2011, Wilschanski 1995). This variant is also reported in ClinVar (Variation ID: 53403), but is only observed on seven alleles in the Genome Aggregation Database, indicating it is not a common polymorphism. The aspartate at codon 614 is highly conserved, and computational analyses predict that this variant is deleterious (REVEL: 0.942). In vitro functional analyses demonstrate aberrant protein processing leading to partial channel function (Pasyk 1998, Sosnay 2013, Vankeerberghen 1998). Based on available information and the range of phenotypes observed, this variant is considered to be pathogenic with varying clinical consequences. References: Castaldo G et al. Phenotypic discordance in three siblings affected by atypical cystic fibrosis with the F508del/D614G genotype. J Cyst Fibros. 2006 Aug;5(3):193-5. PMID: 16478680. Durno C et al. Genotype and phenotype correlations in patients with cystic fibrosis and pancreatitis. Gastroenterology. 2002 Dec;123(6):1857-64. PMID: 12454843. Grangeia A et al. Molecular characterization of the cystic fibrosis transmembrane conductance regulator gene in congenital absence of the vas deferens. Genet Med. 2007 Mar;9(3):163-72. PMID: 17413420. Lucarelli M et al. A Genotypic-Oriented View of CFTR Genetics Highlights Specific Mutational Patterns Underlying Clinical Macrocategories of Cystic Fibrosis. Mol Med. 2015 Apr 21;21(1):257-75. PMID: 25910067. McCague AF et al. Correlating Cystic Fibrosis Transmembrane Conductance Regulator Function with Clinical Features to Inform Precision Treatment of Cystic Fibrosis. Am J Respir Crit Care Med. 2019 May 1;199(9):1116-1126. PMID: 30888834. Pasyk EA et al. A conserved region of the R domain of cystic fibrosis transmembrane conductance regulator is important in processing and function. J Biol Chem. 1998 Nov 27;273(48):31759-64. PMID: 9822639. Pereira SV et al. Novel, rare and common pathogenic variants in the CFTR gene screened by high-throughput sequencing technology and predicted by in silico tools. Sci Rep. 2019 Apr 17;9(1):6234. PMID: 30996306. Sosnay PR et al. Defining the disease liability of variants in the cystic fibrosis transmembrane conductance regulator gene. Nat Genet. 2013 Oct;45(10):1160-7. PMID: 23974870. Tomaiuolo R et al. Enhanced frequency of CFTR gene variants in couples who are candidates for assisted reproductive technology treatment. Clin Chem Lab Med. 2011 Aug;49(8):1289-1293. PMID: 21679131. Vankeerberghen A et al. Characterization of 19 disease-associated missense mutations in the regulatory domain of the cystic fibrosis transmembrane conductance regulator. Hum Mol Genet. 1998 Oct;7(11):1761-9. PMID: 9736778. Wilschanski M et al. Correlation of sweat chloride concentration with classes of the cystic fibrosis transmembrane conductance regulator gene mutations. J Pediatr. 1995 Nov;127(5):705-10. PMID: 7472820.

Mendelics
Classification: Pathogenic for Cystic fibrosis. Last evaluated: 2023-03-11. Review status: criteria provided, single submitter. Criteria: Mendelics Assertion Criteria 2017. Collection method: clinical testing. Allele origin: unknown. Affected: yes.

Quest Diagnostics Nichols Institute San Juan Capistrano
Classification: Pathogenic. Last evaluated: 2022-10-03. Review status: criteria provided, single submitter. Criteria: Quest Diagnostics criteria. Collection method: clinical testing. Allele origin: unknown.
Comment: The frequency of this variant in the general population, 0.00014 (4/28740 chromosomes), is uninformative in assessment of its pathogenicity. In the published literature, the variant has been reported in patients with classical or atypical cystic fibrosis (CF) (PMIDs: 33424627 (2020), 30996306 (2019), 25910067 (2015), 16801189 (2006), 16478680 (2006), 12454843 (2002)), congenital bilateral absence of vas deferens (CBAVD) (PMIDs: 25910067 (2015), 15333598 (2004)), pancreatic insufficiency (PMIDs: 30888834 (2019), 16478680 (2006)), and is often reported in trans with another pathogenic CFTR variant in affected individuals. Functional studies have indicated that this variant causes abnormal protein folding, abnormal rates of cell maturation, and altered rates of channel opening (PMIDs: 9736778 (1998), 9822639 (1998), 29040544 (2017), 30297908 (2018), 33468668 (2021), 35418593 (2022)). Analysis of this variant using bioinformatics tools for the prediction of the effect of amino acid changes on protein structure and function yielded predictions that this variant is damaging. Based on the available information, this variant is classified as pathogenic.

Women's Health and Genetics/Laboratory Corporation of America, LabCorp
Classification: Pathogenic for Cystic fibrosis. Last evaluated: 2022-04-18. Review status: criteria provided, single submitter. Criteria: LabCorp Variant Classification Summary - May 2015. Collection method: clinical testing. Allele origin: germline.
Comment: Variant summary: CFTR c.1841A>G (p.Asp614Gly) results in a non-conservative amino acid change located in the ABC transporter-like (IPR003439) and AAA+ ATPase domains (IPR003593) of the encoded protein sequence. Five of five in-silico tools predict a damaging effect of the variant on protein function. The variant allele was found at a frequency of 3.1e-05 in 229320 control chromosomes. c.1841A>G has been reported in compound heterozygosity with another pathogenic variant in multiple individuals affected with CF and CBAVD in the literature (e.g. Wilschanski_1995, Grangeia_2004, Lucarelli_2015, Pereira_2019, McCague_2019). Many of these patients have been reported with borderline sweat chloride levels and/or as pancreatic-sufficient, suggesting that the variant may be associated with a milder non-classical CF phenotype. The variant was also detected in compound heterozygosity with the common severe disease causing variant CFTR p.Phe508del in three siblings diagnosed in adulthood with atypical CF phenotypes of varying degrees of severity, leading the authors to conclude that this variant may be a "mild" CF mutation (e.g. Castaldo_2006). Collectively, these data indicate that the variant is likely to be associated with disease. Several publications report in-vitro experimental evidence evaluating an impact on protein function, reporting that the variant reduced CFTR processing in multiple cell lines (e.g. Pasyk_1998 Vankeerberghen_1998, Sosnay_2013). The variant was also observed to at least partially reduce measured current activity and alter the dynamics of channel gate opening and closing (Pasyk_1998, Sosnay_2013). Four clinical diagnostic laboratories and the CFTR-France database have submitted clinical-significance assessments for this variant to ClinVar after 2014 with a predominant consensus as Pathogenic/Likely pathogenic (n=4). The CFTR2 database reports the variant as having varying consequences as some individuals with this variant and another pathogenic variant have CF, while others do not, indicating that clinical criteria alone should be used in the diagnosis of patients with this variant. Based on the evidence outlined above, the variant was classified as pathogenic for non-classic CF.

Genome Diagnostics Laboratory, The Hospital for Sick Children
Classification: Pathogenic for Cystic fibrosis. Last evaluated: 2022-01-31. Review status: criteria provided, single submitter. Criteria: ACMG Guidelines, 2015. Collection method: clinical testing. Allele origin: germline.

Genome-Nilou Lab
Classification: Likely pathogenic for Cystic fibrosis. Last evaluated: 2021-07-22. Review status: criteria provided, single submitter. Criteria: ACMG Guidelines, 2015. Collection method: clinical testing. Allele origin: germline. Affected: no.

CFTR-France
Classification: Pathogenic for cystic fibrosis; CFTR-related disorders. Last evaluated: 2015-07-03. Review status: criteria provided, single submitter. Criteria: Claustres M et al. (Hum Mutat 2017). Collection method: curation. Allele origin: germline. Affected: yes.
Comment: when the variant is in trans with another CF-causing variation, can either result in CF or in a CFTR-RD

Baylor Genetics
Classification: Pathogenic for Congenital bilateral aplasia of vas deferens from CFTR mutation; Cystic fibrosis. Review status: criteria provided, single submitter. Criteria: ACMG Guidelines, 2015. Collection method: clinical testing. Allele origin: germline.

Genome Diagnostics Laboratory, The Hospital for Sick Children
Classification: Pathogenic for CFTR-related disorders. Last evaluated: 2022-01-31. Review status: no assertion criteria provided. Collection method: clinical testing. Allele origin: germline. Not counted in ClinVar's aggregate classification.

ClinVar Staff, National Center for Biotechnology Information (NCBI)
No classification provided. Condition: CFTR-related disorders. Review status: no classification provided. Collection method: literature only. Allele origin: germline. Affected: yes. Not counted in ClinVar's aggregate classification.

Literature cited by the submitters: PubMed 16478680 (cited by 6 submitters); PubMed 9736778 (cited by 6 submitters); PubMed 33468668 (cited by Dasa and Quest Diagnostics Nichols Institute San Juan Capistrano); PubMed 35418593 (cited by Dasa and Quest Diagnostics Nichols Institute San Juan Capistrano); PubMed 30996306 (cited by 3 submitters); PubMed 25910067 (cited by 4 submitters); PubMed 22020151 (cited by Dasa and Ambry Genetics); PubMed 23974870 (cited by 4 submitters); PubMed 25489051 (cited by Dasa); PubMed 9822639 (cited by 4 submitters); PubMed 12454843 (cited by 4 submitters); PubMed 17413420 (cited by Labcorp Genetics (formerly Invitae), Labcorp); PubMed 21679131 (cited by Labcorp Genetics (formerly Invitae), Labcorp); PubMed 30577776 (cited by Natera, Inc.); PubMed 30888834 (cited by 3 submitters); PubMed 12825076 (cited by Ambry Genetics); PubMed 27469177 (cited by Ambry Genetics); PubMed 7573058 (cited by Ambry Genetics and Women's Health and Genetics/Laboratory Corporation of America, LabCorp); PubMed 33424627 (cited by Quest Diagnostics Nichols Institute San Juan Capistrano and Women's Health and Genetics/Laboratory Corporation of America, LabCorp); PubMed 7472820 (cited by Quest Diagnostics Nichols Institute San Juan Capistrano and Women's Health and Genetics/Laboratory Corporation of America, LabCorp); PubMed 29040544 (cited by Quest Diagnostics Nichols Institute San Juan Capistrano); PubMed 16801189 (cited by Quest Diagnostics Nichols Institute San Juan Capistrano); PubMed 30297908 (cited by Quest Diagnostics Nichols Institute San Juan Capistrano); PubMed 9259197 (cited by Women's Health and Genetics/Laboratory Corporation of America, LabCorp); PubMed 9239681 (cited by Women's Health and Genetics/Laboratory Corporation of America, LabCorp); PubMed 15084222 (cited by Women's Health and Genetics/Laboratory Corporation of America, LabCorp); PubMed 9003508 (cited by Women's Health and Genetics/Laboratory Corporation of America, LabCorp); PubMed 15333598 (cited by Women's Health and Genetics/Laboratory Corporation of America, LabCorp); PubMed 12120234 (cited by Women's Health and Genetics/Laboratory Corporation of America, LabCorp); PubMed 26014425 (cited by Women's Health and Genetics/Laboratory Corporation of America, LabCorp); PubMed 8406518 (cited by Women's Health and Genetics/Laboratory Corporation of America, LabCorp); PubMed 20059485 (cited by ClinVar Staff, National Center for Biotechnology Information (NCBI)); PubMed 63921865 (cited by ClinVar Staff, National Center for Biotechnology Information (NCBI)).